The following is an entry in ClinVar:

NM_014003.4(DHX38):c.2969G>A (p.Arg990Gln)

Genes: DHX38 (DEAH-box helicase 38; plus strand), LOC126862391 (CDK7 strongly-dependent group 2 enhancer GRCh37_chr16:72141414-72142613; plus strand). Cytogenetic location: 16q22.2.
Variant type: single nucleotide variant.
Coding change: c.2969G>A on transcript NM_014003.4 (MANE Select); coding-DNA position 2969, G replaced by A.
Protein change: p.Arg990Gln; replaces arginine 990 with glutamine.
Molecular consequence: missense variant.
Genome position (GRCh38, 1-based): chr16:72,108,231, G>A. VCF-style: chr16-72108231-G-A. GRCh37 (hg19) VCF-style: chr16-72142130-G-A.
Other names: short protein forms R990Q.
Identifiers: ClinVar variation 1476447 (VCV001476447.6), dbSNP rs2144172462, ClinGen allele CA396715555.

ClinVar aggregate classification (germline): Uncertain significance (1 of 4 stars; one submission).

Allele frequency attached by ClinVar (database versions not stated): gnomAD exomes below 0.00001.
gnomAD v4.1: 4 of 1,614,074 alleles (0.00025%); highest among the groups gnomAD compares: South Asian, 0.0011%; no homozygotes.

Submission:

Labcorp Genetics (formerly Invitae), Labcorp
Classification: Uncertain significance. Last evaluated: 2024-08-12. Review status: criteria provided, single submitter. Criteria: Invitae Variant Classification Sherloc (09022015). Collection method: clinical testing. Allele origin: germline.
Comment: This sequence change replaces arginine, which is basic and polar, with glutamine, which is neutral and polar, at codon 990 of the DHX38 protein (p.Arg990Gln). This variant is not present in population databases (gnomAD no frequency). This variant has not been reported in the literature in individuals affected with DHX38-related conditions. ClinVar contains an entry for this variant (Variation ID: 1476447). Advanced modeling of protein sequence and biophysical properties (such as structural, functional, and spatial information, amino acid conservation, physicochemical variation, residue mobility, and thermodynamic stability) performed at Invitae indicates that this missense variant is not expected to disrupt DHX38 protein function with a negative predictive value of 80%. In summary, the available evidence is currently insufficient to determine the role of this variant in disease. Therefore, it has been classified as a Variant of Uncertain Significance.